The following is an entry in ClinVar:

ClinVar aggregate classification (germline): Uncertain significance (1 of 4 stars; one submission).

Conditions:
Mucopolysaccharidosis type 6 (MPS6). Also called: N-ACETYLGALACTOSAMINE-4-SULFATASE DEFICIENCY; MPS VI; ARSB DEFICIENCY; ARYLSULFATASE B DEFICIENCY; MPS 6; Maroteaux Lamy syndrome. Identifiers: Orphanet 583, MedGen C0026709, MONDO:0009661, OMIM 253200.

Allele frequency attached by ClinVar (database versions not stated): ExAC 0.00001; gnomAD 0.00002; gnomAD exomes 0.00002; TOPMed 0.00005.
gnomAD v4.1: 26 of 1,613,858 alleles (0.0016%); highest among the groups gnomAD compares: Non-Finnish European, 0.002%; no homozygotes.

Submission:

Labcorp Genetics (formerly Invitae), Labcorp
Classification: Uncertain significance for Mucopolysaccharidosis type 6. Last evaluated: 2022-06-12. Review status: criteria provided, single submitter. Criteria: Invitae Variant Classification Sherloc (09022015). Collection method: clinical testing. Allele origin: germline.
Comment: This sequence change replaces arginine, which is basic and polar, with tryptophan, which is neutral and slightly polar, at codon 345 of the ARSB protein (p.Arg345Trp). This variant is present in population databases (rs780380678, gnomAD 0.007%). This variant has not been reported in the literature in individuals affected with ARSB-related conditions. Algorithms developed to predict the effect of missense changes on protein structure and function are either unavailable or do not agree on the potential impact of this missense change (SIFT: "Deleterious"; PolyPhen-2: "Probably Damaging"; Align-GVGD: "Class C0"). In summary, the available evidence is currently insufficient to determine the role of this variant in disease. Therefore, it has been classified as a Variant of Uncertain Significance.

NM_000046.5(ARSB):c.1033C>T (p.Arg345Trp)

Gene: ARSB (arylsulfatase B; minus strand). Cytogenetic location: 5q14.1.
Variant type: single nucleotide variant.
Coding change: c.1033C>T on transcript NM_000046.5 (MANE Select); coding-DNA position 1033, C replaced by T.
Protein change: p.Arg345Trp; replaces arginine 345 with tryptophan.
Molecular consequence: missense variant.
Genome position (GRCh38, 1-based): chr5:78,885,693, G>A on the plus strand (C>T on the coding strand, the complement: ARSB is on the minus strand). VCF-style: chr5-78885693-G-A. GRCh37 (hg19) VCF-style: chr5-78181516-G-A.
Other names: c.1033C>T, p.Arg345Trp (NM_198709.3); short protein forms R345W.
Identifiers: ClinVar variation 2054118 (VCV002054118.1), dbSNP rs780380678, ClinGen allele CA3318132.